The following is an entry in ClinVar:

NM_001128840.3(CACNA1D):c.1809C>G (p.Ile603Met)

Gene: CACNA1D (calcium voltage-gated channel subunit alpha1 D; plus strand). Cytogenetic location: 3p21.1.
Variant type: single nucleotide variant.
Coding change: c.1809C>G on transcript NM_001128840.3 (MANE Select); coding-DNA position 1809, C replaced by G.
Protein change: p.Ile603Met; replaces isoleucine 603 with methionine.
Molecular consequence: missense variant.
Genome position (GRCh38, 1-based): chr3:53,723,576, C>G. VCF-style: chr3-53723576-C-G. GRCh37 (hg19) VCF-style: chr3-53757603-C-G.
Other names: c.1869C>G, p.Ile623Met (NM_000720.4); c.1809C>G, p.Ile603Met (NM_001128839.3); c.1869C>G (NM_000720.2); short protein forms I603M, I623M.
Identifiers: ClinVar variation 2896745 (VCV002896745.4), dbSNP rs1305992235, ClinGen allele CA353237183.

ClinVar aggregate classification (germline): Uncertain significance. Review status: criteria provided, multiple submitters, no conflicts (2 of 4 stars). 2 submissions from 2 submitters: Uncertain significance (2). Last evaluated 2025-04-19.

Conditions:
Inborn genetic diseases. Identifiers: MedGen C0950123, MeSH D030342.

Allele frequency attached by ClinVar (database versions not stated): gnomAD exomes below 0.00001.
gnomAD v4.1: 6 of 1,614,102 alleles (0.00037%); highest among the groups gnomAD compares: Non-Finnish European, 0.00051%; no homozygotes.

Submissions (2):

Ambry Genetics
Classification: Uncertain significance for Inborn genetic diseases. Last evaluated: 2025-04-19. Review status: criteria provided, single submitter. Criteria: Ambry Variant Classification Scheme 2023. Collection method: clinical testing. Allele origin: germline.

Labcorp Genetics (formerly Invitae), Labcorp
Classification: Uncertain significance. Last evaluated: 2023-10-22. Review status: criteria provided, single submitter. Criteria: Invitae Variant Classification Sherloc (09022015). Collection method: clinical testing. Allele origin: germline.
Comment: This sequence change replaces isoleucine, which is neutral and non-polar, with methionine, which is neutral and non-polar, at codon 623 of the CACNA1D protein (p.Ile623Met). This variant is present in population databases (no rsID available, gnomAD 0.0009%). This variant has not been reported in the literature in individuals affected with CACNA1D-related conditions. Advanced modeling of protein sequence and biophysical properties (such as structural, functional, and spatial information, amino acid conservation, physicochemical variation, residue mobility, and thermodynamic stability) performed at Invitae indicates that this missense variant is not expected to disrupt CACNA1D protein function. In summary, the available evidence is currently insufficient to determine the role of this variant in disease. Therefore, it has been classified as a Variant of Uncertain Significance.